The following is an entry in ClinVar:

ClinVar aggregate classification (germline): Pathogenic (1 of 4 stars; one submission).

Submission:

GeneDx
Classification: Pathogenic. Last evaluated: 2016-03-12. Review status: criteria provided, single submitter. Criteria: GeneDx Variant Classification (06012015). Collection method: clinical testing. Allele origin: germline. Affected: yes.
Comment: The c.491-2A>G pathogenic variant in the POLR3A gene has not been reported previously as a pathogenic variant nor as a benign variant, to our knowledge. This splice site variant destroys the canonical splice acceptor site in intron 4. It is predicted to cause abnormal gene splicing, either leading to an abnormal message that is subject to nonsense-mediated mRNA decay, or to an abnormal protein product if the message is used for protein translation. The c.491-2A>G variant was not observed in approximately 6500 individuals of European and African American ancestry in the NHLBI Exome Sequencing Project, indicating it is not a common benign variant in these populations. We interpret c.491-2A>G as a pathogenic variant.

NM_007055.4(POLR3A):c.491-2A>G

Gene: POLR3A (RNA polymerase III subunit A; minus strand). Cytogenetic location: 10q22.3.
Variant type: single nucleotide variant.
Coding change: c.491-2A>G on transcript NM_007055.4 (MANE Select); the canonical splice acceptor site of the intron before coding-DNA position 491, A replaced by G.
Molecular consequence: splice acceptor variant.
Genome position (GRCh38, 1-based): chr10:78,024,705, T>C on the plus strand (A>G on the coding strand, the complement: POLR3A is on the minus strand). VCF-style: chr10-78024705-T-C. GRCh37 (hg19) VCF-style: chr10-79784463-T-C.
Identifiers: ClinVar variation 280427 (VCV000280427.2), dbSNP rs886041636, ClinGen allele CA10603160.